The following is an entry in ClinVar:

NM_001012339.3(DNAJC21):c.337A>T (p.Asn113Tyr)

Gene: DNAJC21 (DnaJ heat shock protein family (Hsp40) member C21; plus strand). Cytogenetic location: 5p13.2.
Variant type: single nucleotide variant.
Coding change: c.337A>T on transcript NM_001012339.3 (MANE Select); coding-DNA position 337, A replaced by T.
Protein change: p.Asn113Tyr; replaces asparagine 113 with tyrosine.
Molecular consequence: missense variant.
Genome position (GRCh38, 1-based): chr5:34,936,165, A>T. VCF-style: chr5-34936165-A-T. GRCh37 (hg19) VCF-style: chr5-34936270-A-T.
Other names: c.337A>T, p.Asn113Tyr (NM_001348420.2, NM_194283.4); c.337A>T (NM_194283.3, NM_001012339.2); short protein forms N113Y.
Identifiers: ClinVar variation 1548034 (VCV001548034.11), dbSNP rs540408227, ClinGen allele CA3228423.

ClinVar aggregate classification (germline): Conflicting classifications of pathogenicity. Review status: criteria provided, conflicting classifications (1 of 4 stars). 3 submissions from 3 submitters: Uncertain significance (1); Likely benign (1). 1 of the submissions does not count toward it. Last evaluated 2025-07-29.

Conditions:
Inborn genetic diseases. Identifiers: MedGen C0950123, MeSH D030342.
DNAJC21-related disorder. Also called: DNAJC21-related condition.

Allele frequency attached by ClinVar (database versions not stated): TOPMed 0.00002; gnomAD 0.00012; gnomAD exomes 0.00015 and 0.00029; 1000 Genomes Project 30x 0.00016; 1000 Genomes Project 0.00020; ExAC 0.00034.
gnomAD v4.1: 238 of 1,614,000 alleles (0.015%); highest among the groups gnomAD compares: South Asian, 0.24%; 1 homozygote.

Submissions (3):

Labcorp Genetics (formerly Invitae), Labcorp
Classification: Likely benign. Last evaluated: 2025-07-29. Review status: criteria provided, single submitter. Criteria: Invitae Variant Classification Sherloc (09022015). Collection method: clinical testing. Allele origin: germline.

Ambry Genetics
Classification: Uncertain significance for Inborn genetic diseases. Last evaluated: 2023-04-13. Review status: criteria provided, single submitter. Criteria: Ambry Variant Classification Scheme 2023. Collection method: clinical testing. Allele origin: germline.

PreventionGenetics, part of Exact Sciences
Classification: Likely benign for DNAJC21-related condition. Last evaluated: 2023-03-14. Review status: no assertion criteria provided. Collection method: clinical testing. Allele origin: germline. Not counted in ClinVar's aggregate classification.
Comment: This variant is classified as likely benign based on ACMG/AMP sequence variant interpretation guidelines (Richards et al. 2015 PMID: 25741868, with internal and published modifications).